The following is an entry in ClinVar:

ClinVar aggregate classification (germline): Pathogenic (1 of 4 stars; one submission).

Conditions:
Hereditary cancer-predisposing syndrome. Also called: Tumor predisposition; Neoplastic Syndromes, Hereditary; Hereditary neoplastic syndrome; Hereditary Cancer Syndrome. Identifiers: Orphanet 140162, MedGen C0027672, MeSH D009386, MONDO:0015356.

Submission:

Ambry Genetics
Classification: Pathogenic for Hereditary cancer-predisposing syndrome. Last evaluated: 2024-09-25. Review status: criteria provided, single submitter. Criteria: Ambry Variant Classification Scheme 2023. Collection method: clinical testing. Allele origin: germline.
Comment: The c.2669_2672delTGTC pathogenic mutation, located in coding exon 17 of the ATM gene, results from a deletion of 4 nucleotides at nucleotide positions 2669 to 2672, causing a translational frameshift with a predicted alternate stop codon (p.L890Qfs*8). This variant is considered to be rare based on population cohorts in the Genome Aggregation Database (gnomAD). This alteration is expected to result in loss of function by premature protein truncation or nonsense-mediated mRNA decay. As such, this alteration is interpreted as a disease-causing mutation.

NM_000051.4(ATM):c.2669_2672del (p.Leu890fs)

Gene: ATM (ATM serine/threonine kinase; plus strand). Cytogenetic location: 11q22.3.
Variant type: Deletion.
Coding change: c.2669_2672del on transcript NM_000051.4 (MANE Select); coding-DNA positions 2669 to 2672, 4 bases deleted (TGTC; older notation c.2669_2672delTGTC).
Protein change: p.Leu890fs; shifts the reading frame from leucine 890.
Molecular consequence: frameshift variant.
Genome position (GRCh38, 1-based): chr11:108,268,440-108,268,443, TGTC deleted; deleting any 4 consecutive bases within chr11:108,268,438-108,268,443 gives the same sequence; the c. name uses the placement nearest the transcript's 3' end. VCF-style (leftmost placement, unchanged base first): chr11-108268437-ATCTG-A. GRCh37 (hg19) VCF-style: chr11-108139164-ATCTG-A.
Other names: c.2669_2672del, p.Leu890fs (NM_001351834.2); short protein forms L890fs.
Identifiers: ClinVar variation 3451481 (VCV003451481.1).